The following is an entry in ClinVar:

ClinVar aggregate classification (germline): Benign. Review status: criteria provided, multiple submitters, no conflicts (2 of 4 stars). 3 submissions from 3 submitters: Benign (3). Last evaluated 2024-07-15.

Allele frequency attached by ClinVar (database versions not stated): gnomAD 0.19730 and 0.21172; TOPMed 0.22166; 1000 Genomes Project 30x 0.36321; 1000 Genomes Project 0.37300.
gnomAD v4.1: 253,746 of 1,360,870 alleles (19%); highest among the groups gnomAD compares: East Asian, 69%; 33,118 homozygotes.

Submissions (3):

Unidad de Genómica Garrahan, Hospital de Pediatría Garrahan
Classification: Benign. Last evaluated: 2024-07-15. Review status: criteria provided, single submitter. Criteria: ACMG Guidelines, 2015. Collection method: clinical testing. Allele origin: germline. Affected: no. Observed: 23 variant alleles.
Comment: This variant is classified as Benign based on local population frequency. This variant was detected in 25% of patients studied in a panel designed for Epileptic and Developmental Encephalopathy and Progressive Myoclonus Epilepsy. Number of patients: 23. Only high quality variants are reported.

GeneDx
Classification: Benign. Last evaluated: 2018-06-24. Review status: criteria provided, single submitter. Criteria: GeneDx Variant Classification Process June 2021. Collection method: clinical testing. Allele origin: germline. Affected: yes.

Breakthrough Genomics
Classification: Benign. Review status: criteria provided, single submitter. Criteria: ACMG Guidelines, 2015. Collection method: not provided. Allele origin: germline. Inheritance: Autosomal dominant inheritance. Affected: yes.

NM_024426.6(WT1):c.887+85G>C

Gene: WT1 (WT1 transcription factor; minus strand). Cytogenetic location: 11p13.
Variant type: single nucleotide variant.
Coding change: c.887+85G>C on transcript NM_024426.6 (MANE Select); 85 bases into the intron after coding-DNA position 887, G replaced by C.
Molecular consequence: intron variant.
Genome position (GRCh38, 1-based): chr11:32,427,871, C>G on the plus strand (G>C on the coding strand, the complement: WT1 is on the minus strand). VCF-style: chr11-32427871-C-G. GRCh37 (hg19) VCF-style: chr11-32449417-C-G.
Other names: c.764+85G>C (NM_001407050.1, NM_001407047.1); c.887+85G>C (NM_001407048.1, NM_001407049.1, NM_000378.6 and 4 more transcripts); c.125+85G>C (NM_001407051.1); c.236+85G>C (NM_001198552.2, NM_001198551.2).
Identifiers: ClinVar variation 1242813 (VCV001242813.6), dbSNP rs5030171, ClinGen allele CA13498888.
Genomic context (GRCh38, chr11:32,427,871, plus strand): 5'-AGAGTGGAGTCGAGGCGTCTCGTGCCTCCAAGACCCTGCATGCCCGCAGTCAGGGCTGCC[C>G]GGCTGGGGCGTTCCCAAGTCCGCCGGCTCATGCGTCCCCTCCGGGGTCCCAAGGACCCAG-3'